The following is an entry in ClinVar:

NM_014014.5(SNRNP200):c.4888C>T (p.Arg1630Cys)

Gene: SNRNP200 (small nuclear ribonucleoprotein U5 subunit 200; minus strand). Cytogenetic location: 2q11.2.
Variant type: single nucleotide variant.
Coding change: c.4888C>T on transcript NM_014014.5 (MANE Select); coding-DNA position 4888, C replaced by T.
Protein change: p.Arg1630Cys; replaces arginine 1630 with cysteine.
Molecular consequence: missense variant.
Genome position (GRCh38, 1-based): chr2:96,283,228, G>A on the plus strand (C>T on the coding strand, the complement: SNRNP200 is on the minus strand). VCF-style: chr2-96283228-G-A. GRCh37 (hg19) VCF-style: chr2-96948966-G-A.
Other names: short protein forms R1630C.
Identifiers: ClinVar variation 1043813 (VCV001043813.9), dbSNP rs2063816366, ClinGen allele CA347663106.
Genomic context (GRCh38, chr2:96,283,228, plus strand): 5'-CTTGCTATGCTCCCCTTCCGTGGCCTGACTTACCTGAGCTGAAGAGCTGCTCCACCAGGC[G>A]TCGCTCCATGGGGCTGAGCCCCTCATGCAGGTAGCCCACCCCATTTAGCAGCGTTTCCTT-3'
Protein context (NP_054733.2, residues 1620-1640): LHEGLSPMER[Arg1630Cys]LVEQLFSSGA

ClinVar aggregate classification (germline): Uncertain significance (1 of 4 stars; one submission).

Allele frequency attached by ClinVar (database versions not stated): gnomAD exomes below 0.00001; TOPMed below 0.00001.
gnomAD v4.1: 6 of 1,614,172 alleles (0.00037%); highest among the groups gnomAD compares: Non-Finnish European, 0.00051%; no homozygotes.

Submission:

Labcorp Genetics (formerly Invitae), Labcorp
Classification: Uncertain significance. Last evaluated: 2026-01-05. Review status: criteria provided, single submitter. Criteria: Invitae Variant Classification Sherloc (09022015). Collection method: clinical testing. Allele origin: germline.
Comment: This sequence change replaces arginine, which is basic and polar, with cysteine, which is neutral and slightly polar, at codon 1630 of the SNRNP200 protein (p.Arg1630Cys). This variant is not present in population databases (gnomAD no frequency). This variant has not been reported in the literature in individuals affected with SNRNP200-related conditions. ClinVar contains an entry for this variant (Variation ID: 1043813). Invitae Evidence Modeling of protein sequence and biophysical properties (such as structural, functional, and spatial information, amino acid conservation, physicochemical variation, residue mobility, and thermodynamic stability) has been performed for this missense variant. However, the output from this modeling did not meet the statistical confidence thresholds required to predict the impact of this variant on SNRNP200 protein function. In summary, the available evidence is currently insufficient to determine the role of this variant in disease. Therefore, it has been classified as a Variant of Uncertain Significance.